The following is an entry in ClinVar:

NM_000260.4(MYO7A):c.4858G>A (p.Glu1620Lys)

Gene: MYO7A (myosin VIIA; plus strand). Cytogenetic location: 11q13.5.
Variant type: single nucleotide variant.
Coding change: c.4858G>A on transcript NM_000260.4 (MANE Select); coding-DNA position 4858, G replaced by A.
Protein change: p.Glu1620Lys; replaces glutamic acid 1620 with lysine.
Molecular consequence: missense variant.
Genome position (GRCh38, 1-based): chr11:77,201,453, G>A. VCF-style: chr11-77201453-G-A. GRCh37 (hg19) VCF-style: chr11-76912498-G-A.
Other names: c.4744G>A, p.Glu1582Lys (NM_001127180.2); c.4711G>A, p.Glu1571Lys (NM_001369365.1); short protein forms E1571K, E1582K, E1620K.
Identifiers: ClinVar variation 2150959 (VCV002150959.3), dbSNP rs768472164, ClinGen allele CA6198565.

ClinVar aggregate classification (germline): Uncertain significance. Review status: criteria provided, multiple submitters, no conflicts (2 of 4 stars). 2 submissions from 2 submitters: Uncertain significance (2). Last evaluated 2023-11-13.

Allele frequency attached by ClinVar (database versions not stated): gnomAD 0.00001; gnomAD exomes 0.00001; TOPMed 0.00001; ExAC 0.00002.
gnomAD v4.1: 13 of 1,613,486 alleles (0.00081%); highest among the groups gnomAD compares: African/African-American, 0.0027%; no homozygotes.

Submissions (2):

Labcorp Genetics (formerly Invitae), Labcorp
Classification: Uncertain significance. Last evaluated: 2023-11-13. Review status: criteria provided, single submitter. Criteria: Invitae Variant Classification Sherloc (09022015). Collection method: clinical testing. Allele origin: germline.
Comment: This sequence change replaces glutamic acid, which is acidic and polar, with lysine, which is basic and polar, at codon 1620 of the MYO7A protein (p.Glu1620Lys). This variant is present in population databases (rs768472164, gnomAD 0.004%). This variant has not been reported in the literature in individuals affected with MYO7A-related conditions. ClinVar contains an entry for this variant (Variation ID: 2150959). Advanced modeling of protein sequence and biophysical properties (such as structural, functional, and spatial information, amino acid conservation, physicochemical variation, residue mobility, and thermodynamic stability) performed at Invitae indicates that this missense variant is not expected to disrupt MYO7A protein function with a negative predictive value of 95%. In summary, the available evidence is currently insufficient to determine the role of this variant in disease. Therefore, it has been classified as a Variant of Uncertain Significance.

Blueprint Genetics
Classification: Uncertain significance. Last evaluated: 2023-09-20. Review status: criteria provided, single submitter. Criteria: ACMG Guidelines, 2015. Collection method: clinical testing. Allele origin: germline.